The following is an entry in ClinVar:

NM_025114.4(CEP290):c.149A>G (p.His50Arg)

Gene: CEP290 (centrosomal protein 290; minus strand). Cytogenetic location: 12q21.32.
Variant type: single nucleotide variant.
Coding change: c.149A>G on transcript NM_025114.4 (MANE Select); coding-DNA position 149, A replaced by G.
Protein change: p.His50Arg; replaces histidine 50 with arginine.
Molecular consequence: missense variant.
Genome position (GRCh38, 1-based): chr12:88,140,987, T>C on the plus strand (A>G on the coding strand, the complement: CEP290 is on the minus strand). VCF-style: chr12-88140987-T-C. GRCh37 (hg19) VCF-style: chr12-88534764-T-C.
Other names: short protein forms H50R.
Identifiers: ClinVar variation 1448737 (VCV001448737.8), dbSNP rs2138298302, ClinGen allele CA385989846.

ClinVar aggregate classification (germline): Uncertain significance. Review status: criteria provided, multiple submitters, no conflicts (2 of 4 stars). 2 submissions from 2 submitters: Uncertain significance (2). Last evaluated 2025-01-15.

Conditions:
Joubert syndrome 5 (JBTS5). Identifiers: Orphanet 2318, MedGen C1857780, MONDO:0012432, OMIM 610188.
Leber congenital amaurosis 10 (LCA10). Identifiers: Orphanet 65, MedGen C1857821, MONDO:0012723, OMIM 611755.
Senior-Loken syndrome 6 (SLSN6). Identifiers: Orphanet 3156, MedGen C1857779, MONDO:0012433, OMIM 610189.
Bardet-Biedl syndrome 14 (BBS14). Identifiers: Orphanet 110, MedGen C2673874, MONDO:0014442, OMIM 615991.
Meckel syndrome, type 4 (MKS4). Also called: MECKEL-GRUBER SYNDROME, TYPE 4. Identifiers: Orphanet 564, MedGen C1970161, MONDO:0012626, OMIM 611134.
Nephronophthisis. Also called: Juvenile Nephronophthisis. Identifiers: Orphanet 655, MedGen C0687120, MONDO:0019005, HP:0000090.
Meckel-Gruber syndrome. Also called: DYSENCEPHALIA SPLANCHNOCYSTICA; GRUBER SYNDROME; Dysencephalia splachnocystica. Identifiers: Orphanet 564, MedGen C0265215, MONDO:0018921.
Joubert syndrome. Also called: CEREBELLOPARENCHYMAL DISORDER IV; JOUBERT-BOLTSHAUSER SYNDROME; Familial aplasia of the vermis. Identifiers: Orphanet 475, MedGen C5979921, MONDO:0018772.

gnomAD v4.1: 1 of 1,591,866 alleles (0.000063%); no homozygotes.

Submissions (2):

Labcorp Genetics (formerly Invitae), Labcorp
Classification: Uncertain significance for Joubert syndrome; Meckel-Gruber syndrome; Nephronophthisis. Last evaluated: 2025-01-15. Review status: criteria provided, single submitter. Criteria: Invitae Variant Classification Sherloc (09022015). Collection method: clinical testing. Allele origin: germline.
Comment: This sequence change replaces histidine, which is basic and polar, with arginine, which is basic and polar, at codon 50 of the CEP290 protein (p.His50Arg). This variant is not present in population databases (gnomAD no frequency). This variant has not been reported in the literature in individuals affected with CEP290-related conditions. ClinVar contains an entry for this variant (Variation ID: 1448737). An algorithm developed to predict the effect of missense changes on protein structure and function (PolyPhen-2) suggests that this variant is likely to be tolerated. This variant disrupts the p.His50 amino acid residue in CEP290. Other variant(s) that disrupt this residue have been determined to be pathogenic (PMID: 27208204, 28418496, 29398085). This suggests that this residue is clinically significant, and that variants that disrupt this residue are likely to be disease-causing. In summary, the available evidence is currently insufficient to determine the role of this variant in disease. Therefore, it has been classified as a Variant of Uncertain Significance.

Fulgent Genetics
Classification: Uncertain significance for Joubert syndrome 5; Senior-Loken syndrome 6; Meckel syndrome, type 4; Leber congenital amaurosis 10; Bardet-Biedl syndrome 14. Last evaluated: 2024-06-03. Review status: criteria provided, single submitter. Criteria: ACMG Guidelines, 2015. Collection method: clinical testing. Allele origin: germline.

Literature cited by the submitters: PubMed 27208204 (cited by Labcorp Genetics (formerly Invitae), Labcorp); PubMed 28418496 (cited by Labcorp Genetics (formerly Invitae), Labcorp); PubMed 29398085 (cited by Labcorp Genetics (formerly Invitae), Labcorp).